The following is an entry in ClinVar:

ClinVar aggregate classification (germline): Pathogenic (1 of 4 stars; one submission).

Conditions:
Neurofibromatosis, type 1 (NF1). Also called: Peripheral type neurofibromatosis; VON RECKLINGHAUSEN DISEASE; Neurofibromatosis, type I; NEUROFIBROMATOSIS, TYPE I, SOMATIC. Identifiers: Orphanet 636, MedGen C0027831, MONDO:0018975, OMIM 162200. Disease mechanism: loss of function.

Submission:

Labcorp Genetics (formerly Invitae), Labcorp
Classification: Pathogenic for Neurofibromatosis, type 1. Last evaluated: 2019-05-12. Review status: criteria provided, single submitter. Criteria: Invitae Variant Classification Sherloc (09022015). Collection method: clinical testing. Allele origin: germline.
Comment: For these reasons, this variant has been classified as Pathogenic. This sequence change creates a premature translational stop signal (p.Glu1795*) in the NF1 gene. It is expected to result in an absent or disrupted protein product. This variant is not present in population databases (ExAC no frequency). This variant has not been reported in the literature in individuals with NF1-related conditions. Loss-of-function variants in NF1 are known to be pathogenic (PMID: 10712197, 23913538).

Literature cited by the submitters: PubMed 10712197; PubMed 23913538.

NM_001042492.3(NF1):c.5446G>T (p.Glu1816Ter)

Gene: NF1 (neurofibromin 1; plus strand). Cytogenetic location: 17q11.2.
Variant type: single nucleotide variant.
Coding change: c.5446G>T on transcript NM_001042492.3 (MANE Select); coding-DNA position 5446, G replaced by T.
Protein change: p.Glu1816Ter; replaces glutamic acid 1816 with a stop codon.
Molecular consequence: nonsense.
Genome position (GRCh38, 1-based): chr17:31,327,676, G>T. VCF-style: chr17-31327676-G-T. GRCh37 (hg19) VCF-style: chr17-29654694-G-T.
Other names: c.5383G>T, p.Glu1795Ter (NM_000267.4); short protein forms E1795*, E1816*.
Identifiers: ClinVar variation 939892 (VCV000939892.6), dbSNP rs2069380852, ClinGen allele CA399009461.
Genomic context (GRCh38, chr17:31,327,676, plus strand): 5'-GAGAACCAGTTCACCTTAACCATTGCAAACCAGGGCACGCCGCTCACCTTCATGCACCAG[G>T]AGTGTGAAGCCATTGTCCAGTCTATCATTCATATCCGGACCCGCTGGGAACTGTCACAGC-3'